The following is an entry in ClinVar:

NM_000133.4(F9):c.224G>A (p.Arg75Gln)

Gene: F9 (coagulation factor IX; plus strand). Cytogenetic location: Xq27.1.
Variant type: single nucleotide variant.
Coding change: c.224G>A on transcript NM_000133.4 (MANE Select); coding-DNA position 224, G replaced by A.
Protein change: p.Arg75Gln; replaces arginine 75 with glutamine.
Molecular consequence: missense variant.
Genome position (GRCh38, 1-based): chrX:139,537,145, G>A. VCF-style: chrX-139537145-G-A. GRCh37 (hg19) VCF-style: chrX-138619304-G-A.
Other names: F9, ARG29GLN; R29Q; NM_000133.4(F9):c.224G>A; c.224G>A, p.Arg75Gln (NM_001313913.2); short protein forms R75Q.
Identifiers: ClinVar variation 10573 (VCV000010573.24), dbSNP rs137852228, ClinGen allele CA255318.

ClinVar aggregate classification (germline): Pathogenic. Review status: reviewed by expert panel (3 of 4 stars). 11 submissions from 11 submitters: Pathogenic (1). 10 of the submissions do not count toward it. Last evaluated 2024-10-11.

Conditions:
F9-related disorder. Also called: F9-related condition.
Thrombophilia, X-linked, due to factor 9 defect. Identifiers: MedGen C2749016, MONDO:0010432, OMIM 300807.
Hereditary factor IX deficiency disease (HEMB). Also called: Hemophilia B; PLASMA THROMBOPLASTIN COMPONENT DEFICIENCY; F9 DEFICIENCY; FACTOR IX DEFICIENCY; Christmas Disease. Identifiers: Orphanet 98879, MedGen C0008533, MeSH D002836, MONDO:0010604, OMIM 306900.
Warfarin sensitivity, X-linked. Also called: COUMARIN SENSITIVITY, X-LINKED. Identifiers: MedGen C5393318, OMIM 301052, MONDO:0026768.
Hereditary factor VIII deficiency disease (HEMA). Also called: AUTOSOMAL HEMOPHILIA A; Hemophilia A, congenital; HEM A; Factor 8 deficiency, congenital; Hemophilia A; HEMOPHILIA, CLASSIC. Identifiers: Orphanet 98878, MedGen C0019069, MONDO:0010602, OMIM 306700.

Allele frequency attached by ClinVar (database versions not stated): gnomAD exomes below 0.00001 and 0.00001.
gnomAD v4.1: 4 of 1,211,104 alleles (0.00033%); highest among the groups gnomAD compares: Admixed American, 0.0022%; no homozygotes.

Submissions (11):

ClinGen Coagulation Factor Deficiency Variant Curation Expert Panel, Clingen
Classification: Pathogenic for Hereditary factor IX deficiency disease. Last evaluated: 2024-10-11. Review status: reviewed by expert panel. Criteria: ClinGen CoagFactor ACMG Specifications F9 V1.0.0. Collection method: curation. Allele origin: germline. Inheritance: X-linked inheritance.
Comment: NM_000133.4(F9):c.224G>A (p.Arg75Gln) missense variant has a REVEL score of 0.904, which meets criteria for PP3. This variant is absent from males in population databases (gnomAD v2.1.1/gnomAD v3). Approximately 24 patients are reported in the literature with mild hemophilia B and this variant, meeting F9 phenotype criteria for PS4_Very strong (PMID: 31064749, PMID: 2066105, PMID: 8314564, PMID: 29296726, PMID: 27213901, PMID: 2773937). In summary, this variant meets criteria to be classified as pathogenic. ACMG/AMP criteria applied, as specified by the Coagulation Factor Deficiency Variant Curation Expert Panel for F9: PS4_Very strong, PP4_Moderate, PP3, PM2_supporting.

PreventionGenetics, part of Exact Sciences
Classification: Pathogenic for F9-related condition. Last evaluated: 2026-06-09. Review status: criteria provided, single submitter. Criteria: ACMG Guidelines, 2015. Collection method: clinical testing. Allele origin: germline. Not counted in ClinVar's aggregate classification.
Comment: The F9 c.224G>A variant is predicted to result in the amino acid substitution p.Arg75Gln. This variant is alternatively referred to as p.Arg29Gln using legacy nomenclature, has been well-documented to be pathogenic for Hemophilia B (Chen et al. 1991. PubMed ID: 2066105; Reported as p.Arg79Gln, Hamasaki-Katagiri et al. 2012. PubMed ID: 22639855; Villarreal-Martínez et al. 2020. PubMed ID: 32224444; Factor IX database). This variant is reported in 0.0037% of alleles in individuals of Latino descent in gnomAD. This variant is interpreted as pathogenic.

Labcorp Genetics (formerly Invitae), Labcorp
Classification: Pathogenic for Thrombophilia, X-linked, due to factor 9 defect; Hereditary factor IX deficiency disease. Last evaluated: 2026-01-19. Review status: criteria provided, single submitter. Criteria: Invitae Variant Classification Sherloc (09022015). Collection method: clinical testing. Allele origin: germline. Not counted in ClinVar's aggregate classification.
Comment: This sequence change replaces arginine, which is basic and polar, with glutamine, which is neutral and polar, at codon 75 of the F9 protein (p.Arg75Gln). This variant is present in population databases (rs137852228, gnomAD 0.004%). This missense change has been observed in individuals with hemophilia B (PMID: 2066105, 2773937, 19699296, 22639855, 24375831). This variant is also known as Arg29Gln. ClinVar contains an entry for this variant (Variation ID: 10573). Invitae Evidence Modeling of protein sequence and biophysical properties (such as structural, functional, and spatial information, amino acid conservation, physicochemical variation, residue mobility, and thermodynamic stability) indicates that this missense variant is expected to disrupt F9 protein function with a positive predictive value of 95%. For these reasons, this variant has been classified as Pathogenic.

GeneDx
Classification: Pathogenic. Last evaluated: 2024-09-10. Review status: criteria provided, single submitter. Criteria: GeneDx Variant Classification Process June 2021. Collection method: clinical testing. Allele origin: germline. Affected: yes. Not counted in ClinVar's aggregate classification.
Comment: Not observed at significant frequency in large population cohorts (gnomAD); In silico analysis supports that this missense variant has a deleterious effect on protein structure/function; This variant is associated with the following publications: (PMID: 16999730, 33314404, 2773937, 2066105, 31064749, 19699296, 30817849, 32224444, 24375831, 22639855)

Mayo Clinic Laboratories, Mayo Clinic
Classification: Likely pathogenic. Last evaluated: 2024-05-29. Review status: criteria provided, single submitter. Criteria: ACMG Guidelines, 2015. Collection method: clinical testing. Allele origin: germline. Observed: 2 variant alleles. Not counted in ClinVar's aggregate classification.
Comment: PP3, PM1_supporting, PM2_moderate, PS4_moderate

Women's Health and Genetics/Laboratory Corporation of America, LabCorp
Classification: Pathogenic for Hereditary factor IX deficiency disease. Last evaluated: 2023-11-01. Review status: criteria provided, single submitter. Criteria: LabCorp Variant Classification Summary - May 2015. Collection method: clinical testing. Allele origin: germline. Not counted in ClinVar's aggregate classification.
Comment: Variant summary: F9 c.224G>A (p.Arg75Gln) results in a conservative amino acid change located in the Gamma-carboxyglutamic acid-rich (GLA) domain (IPR000294) of the encoded protein sequence. Four of five in-silico tools predict a damaging effect of the variant on protein function. The variant allele was found at a frequency of 5.5e-06 in 182973 control chromosomes (gnomAD). c.224G>A has been reported in the literature in multiple individuals affected with Factor IX Deficiency (Hemophilia B) (Chavali_2009, Hamasaki-Katagiri_2012, Meireles_2017). These data indicate that the variant is very likely to be associated with disease. To our knowledge, no experimental evidence demonstrating an impact on protein function has been reported. The following publications have been ascertained in the context of this evaluation (PMID: 19699296, 22639855, 28722788). Five submitters have cited clinical-significance assessments for this variant to ClinVar after 2014 and classified the variant as pathogenic (n=2) and likely pathogenic (n=3). Based on the evidence outlined above, the variant was classified as pathogenic.

Fulgent Genetics
Classification: Likely pathogenic for Thrombophilia, X-linked, due to factor 9 defect; Warfarin sensitivity, X-linked; Hereditary factor IX deficiency disease. Last evaluated: 2022-01-10. Review status: criteria provided, single submitter. Criteria: ACMG Guidelines, 2015. Collection method: clinical testing. Allele origin: unknown. Not counted in ClinVar's aggregate classification.

Genome-Nilou Lab
Classification: Likely pathogenic for Hereditary factor IX deficiency disease. Last evaluated: 2021-07-22. Review status: criteria provided, single submitter. Criteria: ACMG Guidelines, 2015. Collection method: clinical testing. Allele origin: germline. Affected: no. Not counted in ClinVar's aggregate classification.

NIHR Bioresource Rare Diseases, University of Cambridge
Classification: Pathogenic for Hereditary factor VIII deficiency disease. Last evaluated: 2019-02-01. Review status: criteria provided, single submitter. Criteria: ACMG Guidelines, 2015. Collection method: research. Allele origin: unknown. Affected: yes. Observed: 1 hemizygote. Study: ThromboGenomics. Not counted in ClinVar's aggregate classification.

ARUP Laboratories, Molecular Genetics and Genomics, ARUP Laboratories
Classification: Likely pathogenic. Last evaluated: 2018-04-17. Review status: criteria provided, single submitter. Criteria: ARUP Molecular Germline Variant Investigation Process. Collection method: clinical testing. Allele origin: germline. Not counted in ClinVar's aggregate classification.
Comment: The F9 c.224G>A; p.Arg75Gln variant (rs137852228) has been described in several individuals with mild hemophilia B (see link to Factor IX database and references therein). It is reported in ClinVar (Variation ID: 10573) and is observed at a low overall frequency of 0.0006% (1/178366 alleles) in the Genome Aggregation Database. The arginine at codon 75 is highly conserved and computational algorithms (PolyPhen-2, SIFT) predict this variant to be deleterious. Additionally, other variants at this position (p.Arg75Gly, p. Arg75Pro) have been observed in individuals affected with hemophilia B and are considered pathogenic (see link to Factor IX database and references therein, Martensson 2016). Based on available information, this variant is considered likely pathogenic. References: Link to Factor IX database: Martensson A et al. Mutation analysis of Swedish haemophilia B families - high frequency of unique mutations. Haemophilia. 2016 May;22(3):440-5.

OMIM
Classification: Pathogenic for HEMOPHILIA B. Last evaluated: 1989-09-01. Review status: no assertion criteria provided. Collection method: literature only. Allele origin: germline. Not counted in ClinVar's aggregate classification.

Literature cited by the submitters: PubMed 2066105 (cited by Labcorp Genetics (formerly Invitae), Labcorp); PubMed 2773937 (cited by Labcorp Genetics (formerly Invitae), Labcorp and OMIM); PubMed 19699296 (cited by Labcorp Genetics (formerly Invitae), Labcorp and Women's Health and Genetics/Laboratory Corporation of America, LabCorp); PubMed 22639855 (cited by 3 submitters); PubMed 24375831 (cited by Labcorp Genetics (formerly Invitae), Labcorp and Mayo Clinic Laboratories, Mayo Clinic); PubMed 23617593 (cited by Mayo Clinic Laboratories, Mayo Clinic); PubMed 28722788 (cited by Mayo Clinic Laboratories, Mayo Clinic and Women's Health and Genetics/Laboratory Corporation of America, LabCorp); PubMed 29296726 (cited by Mayo Clinic Laboratories, Mayo Clinic); PubMed 31064749 (cited by Mayo Clinic Laboratories, Mayo Clinic and NIHR Bioresource Rare Diseases, University of Cambridge); PubMed 32224444 (cited by Mayo Clinic Laboratories, Mayo Clinic); Zhang, M., Chen, S.-H., Thompson, A. R., Lovrien, E., Scott, C. R. CG dinucleotides are 'hot spots' in the factor IX gene for point mutations: evidence from the study of 25 families with defined mutations causing hemophilia B. (Abstract) Am. J. Hum. Genet. 45: A231, 1989. (cited by OMIM).